The following is an entry in ClinVar:

NM_021098.3(CACNA1H):c.2704C>T (p.Arg902Trp)

Gene: CACNA1H (calcium voltage-gated channel subunit alpha1 H; plus strand). Cytogenetic location: 16p13.3.
Variant type: single nucleotide variant.
Coding change: c.2704C>T on transcript NM_021098.3 (MANE Select); coding-DNA position 2704, C replaced by T.
Protein change: p.Arg902Trp; replaces arginine 902 with tryptophan.
Molecular consequence: missense variant.
Genome position (GRCh38, 1-based): chr16:1,206,204, C>T. VCF-style: chr16-1206204-C-T. GRCh37 (hg19) VCF-style: chr16-1256204-C-T.
Other names: c.2704C>T, p.Arg902Trp (NM_001005407.2); short protein forms R902W.
Identifiers: ClinVar variation 529571 (VCV000529571.9), dbSNP rs779011503, ClinGen allele CA7800402.
Genomic context (GRCh38, chr16:1,206,204, plus strand): 5'-GTGCTGCGCACCTTCCGGCTGCTGCGTGTGCTGAAGCTGGTGCGCTTTCTGCCAGCCCTG[C>T]GGCGCCAGCTCGTGGTGCTGGTGAAGACCATGGACAACGTGGCTACCTTCTGCACGCTGC-3'
Protein context (NP_066921.2, residues 892-912): LKLVRFLPAL[Arg902Trp]RQLVVLVKTM

ClinVar aggregate classification (germline): Uncertain significance. Review status: criteria provided, multiple submitters, no conflicts (2 of 4 stars). 2 submissions from 2 submitters: Uncertain significance (2). Last evaluated 2026-02-02.

Conditions:
Epilepsy, childhood absence, susceptibility to, 6. Identifiers: Orphanet 64280, MedGen C2749872, MONDO:0012763, OMIM 611942.
Idiopathic generalized epilepsy. Also called: EIG; Generalised epilepsy. Identifiers: MedGen C0270850, MONDO:0005579, OMIM 600669.
Hyperaldosteronism, familial, type IV (HALD4). Also called: FH IV; ALDOSTERONISM, PRIMARY, AND HYPERTENSION. Identifiers: Orphanet 642671, MedGen C4310756, MONDO:0014875, OMIM 617027.

Allele frequency attached by ClinVar (database versions not stated): TOPMed below 0.00001; gnomAD 0.00001; ExAC 0.00002; gnomAD exomes 0.00003.
gnomAD v4.1: 41 of 1,593,828 alleles (0.0026%); highest among the groups gnomAD compares: Non-Finnish European, 0.0033%; no homozygotes.

Submissions (2):

Labcorp Genetics (formerly Invitae), Labcorp
Classification: Uncertain significance for Idiopathic generalized epilepsy; Hyperaldosteronism, familial, type IV. Last evaluated: 2026-02-02. Review status: criteria provided, single submitter. Criteria: Invitae Variant Classification Sherloc (09022015). Collection method: clinical testing. Allele origin: germline.
Comment: This sequence change replaces arginine, which is basic and polar, with tryptophan, which is neutral and slightly polar, at codon 902 of the CACNA1H protein (p.Arg902Trp). The frequency data for this variant in the population databases is considered unreliable, as metrics indicate poor data quality at this position in the gnomAD database. This missense change has been observed in individual(s) with autism spectrum disorder (PMID: 16754686). ClinVar contains an entry for this variant (Variation ID: 529571). Invitae Evidence Modeling of protein sequence and biophysical properties (such as structural, functional, and spatial information, amino acid conservation, physicochemical variation, residue mobility, and thermodynamic stability) indicates that this missense variant is expected to disrupt CACNA1H protein function with a positive predictive value of 80%. Experimental studies have shown that this missense change affects CACNA1H function (PMID: 16754686). In summary, the available evidence is currently insufficient to determine the role of this variant in disease. Therefore, it has been classified as a Variant of Uncertain Significance.

Baylor Genetics
Classification: Uncertain significance for Epilepsy, childhood absence, susceptibility to, 6. Last evaluated: 2018-09-11. Review status: criteria provided, single submitter. Criteria: ACMG Guidelines, 2015. Collection method: clinical testing. Allele origin: maternal. Affected: yes.
Comment: This variant was determined to be of uncertain significance according to ACMG Guidelines, 2015 [PMID:25741868].

Literature cited by the submitters: PubMed 16754686 (cited by Labcorp Genetics (formerly Invitae), Labcorp).